The following is an entry in ClinVar:

ClinVar aggregate classification (germline): Likely pathogenic (1 of 4 stars; one submission).

Allele frequency attached by ClinVar (database versions not stated): gnomAD exomes below 0.00001.
gnomAD v4.1: 1 of 1,598,276 alleles (0.000063%); highest among the groups gnomAD compares: Non-Finnish European, 0.000086%; no homozygotes.

Submission:

Labcorp Genetics (formerly Invitae), Labcorp
Classification: Likely pathogenic. Last evaluated: 2022-08-20. Review status: criteria provided, single submitter. Criteria: Invitae Variant Classification Sherloc (09022015). Collection method: clinical testing. Allele origin: germline.
Comment: This variant has not been reported in the literature in individuals affected with SCP2-related conditions. This variant is not present in population databases (gnomAD no frequency). This sequence change affects a donor splice site in intron 2 of the SCP2 gene. It is expected to disrupt RNA splicing. Variants that disrupt the donor or acceptor splice site typically lead to a loss of protein function (PMID: 16199547), and loss-of-function variants in SCP2 are known to be pathogenic (PMID: 16685654, 26497993). Algorithms developed to predict the effect of sequence changes on RNA splicing suggest that this variant may disrupt the consensus splice site. In summary, the currently available evidence indicates that the variant is pathogenic, but additional data are needed to prove that conclusively. Therefore, this variant has been classified as Likely Pathogenic.

Literature cited by the submitters: PubMed 16199547; PubMed 16685654; PubMed 26497993.

NM_002979.5(SCP2):c.127+2T>C

Gene: SCP2 (sterol carrier protein 2; plus strand). Cytogenetic location: 1p32.3.
Variant type: single nucleotide variant.
Coding change: c.127+2T>C on transcript NM_002979.5 (MANE Select); the canonical splice donor site of the intron after coding-DNA position 127, T replaced by C.
Molecular consequence: splice donor variant. On other transcripts: intron variant (1).
Genome position (GRCh38, 1-based): chr1:52,941,855, T>C. VCF-style: chr1-52941855-T-C. GRCh37 (hg19) VCF-style: chr1-53407527-T-C.
Other names: c.127+2T>C (NM_001193600.2, NM_001193599.2, NM_001330587.2 and 1 more transcripts); c.-116-6154T>C (NM_001193617.2).
Identifiers: ClinVar variation 2155314 (VCV002155314.4), dbSNP rs2524439055, ClinGen allele CA340385637.